The following is an entry in ClinVar:

ClinVar aggregate classification (germline): Conflicting classifications of pathogenicity. Review status: criteria provided, conflicting classifications (1 of 4 stars). 2 submissions from 2 submitters: Likely pathogenic (1); Uncertain significance (1). Last evaluated 2026-04-05.

Submissions (2):

Dasa
Classification: Likely pathogenic. Last evaluated: 2026-04-05. Review status: criteria provided, single submitter. Criteria: DASA Assertion Criteria. Collection method: clinical testing. Allele origin: germline.
Comment: NM_003590.5(CUL3):c.264+1G>T affects a canonical splice site and is predicted to disrupt normal RNA splicing. Loss of function is an established disease mechanism for CUL3-associated disorders. Also, this variant is rare in population databases. Based on the currently available evidence, this variant is classified as likely pathogenic.

Blueprint Genetics
Classification: Uncertain significance. Last evaluated: 2024-08-15. Review status: criteria provided, single submitter. Criteria: ACMG Guidelines, 2015. Collection method: clinical testing. Allele origin: germline.

NM_003590.5(CUL3):c.264+1G>T

Gene: CUL3 (cullin 3; minus strand). Cytogenetic location: 2q36.2.
Variant type: single nucleotide variant.
Coding change: c.264+1G>T on transcript NM_003590.5 (MANE Select); the canonical splice donor site of the intron after coding-DNA position 264, G replaced by T.
Molecular consequence: splice donor variant. On other transcripts: intron variant (1).
Genome position (GRCh38, 1-based): chr2:224,557,658, C>A on the plus strand (G>T on the coding strand, the complement: CUL3 is on the minus strand). VCF-style: chr2-224557658-C-A. GRCh37 (hg19) VCF-style: chr2-225422375-C-A.
Other names: c.67-22017G>T (NM_001257197.2); c.282+1G>T (NM_001257198.2).
Identifiers: ClinVar variation 4856952 (VCV004856952.3).